The following is an entry in ClinVar:

ClinVar aggregate classification (germline): Conflicting classifications of pathogenicity. Review status: criteria provided, conflicting classifications (1 of 4 stars). 7 submissions from 7 submitters: Uncertain significance (4); Likely benign (1). 2 of the submissions do not count toward it. Last evaluated 2024-09-17.

Conditions:
Cystic fibrosis (CF). Also called: MUCOVISCIDOSIS. Identifiers: Orphanet 586, MedGen C0010674, MONDO:0009061, OMIM 219700. Disease mechanism: loss of function.

Allele frequency attached by ClinVar (database versions not stated): ExAC 0.00001.
gnomAD v4.1: 1 of 1,603,396 alleles (0.000062%); highest among the groups gnomAD compares: South Asian, 0.0011%; no homozygotes.

Submissions (7):

Ambry Genetics
Classification: Uncertain significance for Cystic fibrosis. Last evaluated: 2024-09-17. Review status: criteria provided, single submitter. Criteria: Ambry Variant Classification Scheme 2023. Collection method: clinical testing. Allele origin: germline.
Comment: The p.Y577F variant (also known as c.1730A>T), located in coding exon 13 of the CFTR gene, results from an A to T substitution at nucleotide position 1730. The tyrosine at codon 577 is replaced by phenylalanine, an amino acid with highly similar properties. This mutation was reported in an individual with cystic fibrosis and was determined to be in cis with another CFTR variant, both of which were in trans (on different chromosomes) with p.F508del (Stuhrmann M et al. Clin. Genet., 1997 Oct;52:240-6). This amino acid position is not well conserved in available vertebrate species. In addition, this alteration is predicted to be deleterious by in silico analysis. Based on the available evidence, the clinical significance of this variant remains unclear.

Institute of Human Genetics, University of Leipzig Medical Center
Classification: Uncertain significance for Cystic fibrosis. Last evaluated: 2022-09-05. Review status: criteria provided, single submitter. Criteria: ACMG Guidelines, 2015. Collection method: curation. Allele origin: unknown. Affected: yes. Observed: 1 variant allele.
Comment: The variant was classified in the context of a project re-classifying variants in the German Cystic Fibrosis Registry (Muko.e.V.). Criteria applied: PM2_SUP, PM3_SUP, PP3, BP2, BS3_SUP

Genome-Nilou Lab
Classification: Uncertain significance for Cystic fibrosis. Last evaluated: 2021-07-22. Review status: criteria provided, single submitter. Criteria: ACMG Guidelines, 2015. Collection method: clinical testing. Allele origin: germline. Affected: no.

Johns Hopkins Genomics, Johns Hopkins University
Classification: Likely benign for Cystic fibrosis. Last evaluated: 2020-08-03. Review status: criteria provided, single submitter. Criteria: ACMG Guidelines, 2015. Collection method: clinical testing. Allele origin: germline.

ARUP Laboratories, Molecular Genetics and Genomics, ARUP Laboratories
Classification: Uncertain significance. Last evaluated: 2019-12-23. Review status: criteria provided, single submitter. Criteria: ARUP Molecular Germline Variant Investigation Process. Collection method: clinical testing. Allele origin: germline.
Comment: The CFTR c.1730A>T; p.Tyr577Phe variant (rs39750828) is reported in the literature on the same chromosome as the c.1742dupT variant in an individual affected with cystic fibrosis that also carried the common pathogenic p.Phe508del variant (Stuhrmann 1997). While p.Tyr577Phe has also been reported in an individual with infertility without the linked c.1742dupT variant, it is not clear that the detection methods used in this study would have detected both variants (Morea 2005). The p.Tyr577Phe variant is reported on a single chromosome (1/250312 alleles) in the Genome Aggregation Database, indicating it is not a common polymorphism. The tyrosine at codon 577 is moderately conserved and computational analyses (SIFT, PolyPhen-2) predict that this variant is tolerated. Computational analyses (Alamut v.2.11) predict that this variant may impact splicing by creating a novel cryptic acceptor splice site, although RNA analyses would be required to confirm this. Given the lack of clinical and functional data, the significance of the p.Tyr577Phe variant is uncertain at this time. References: Morea A et al. Gender-sensitive association of CFTR gene mutations and 5T allele emerging from a large survey on infertility. Mol Hum Reprod. 2005 Aug;11(8):607-14. Stuhrmann M et al. Detection of 100% of the CFTR mutations in 63 CF families from Tyrol. Clin Genet. 1997 Oct;52(4):240-6.

Counsyl
Classification: Uncertain significance for Cystic fibrosis. Last evaluated: 2017-07-05. Review status: no assertion criteria provided. Collection method: clinical testing. Allele origin: unknown. Not counted in ClinVar's aggregate classification.

ClinVar Staff, National Center for Biotechnology Information (NCBI)
No classification provided. Condition: CFTR-related disorders. Review status: no classification provided. Collection method: literature only. Allele origin: germline. Affected: yes. Not counted in ClinVar's aggregate classification.

Literature cited by the submitters: PubMed 15463919 (cited by Johns Hopkins Genomics, Johns Hopkins University); PubMed 9383031 (cited by 3 submitters); PubMed 12719375 (cited by Counsyl).

NM_000492.4(CFTR):c.1730A>T (p.Tyr577Phe)

Gene: CFTR (CF transmembrane conductance regulator; plus strand). Cytogenetic location: 7q31.2.
Variant type: single nucleotide variant.
Coding change: c.1730A>T on transcript NM_000492.4 (MANE Select); coding-DNA position 1730, A replaced by T.
Protein change: p.Tyr577Phe; replaces tyrosine 577 with phenylalanine.
Molecular consequence: missense variant.
Genome position (GRCh38, 1-based): chr7:117,590,403, A>T. VCF-style: chr7-117590403-A-T. GRCh37 (hg19) VCF-style: chr7-117230457-A-T.
Other names: short protein forms Y577F.
Identifiers: ClinVar variation 53362 (VCV000053362.17), dbSNP rs397508286, ClinGen allele CA326638.
Genomic context (GRCh38, chr7:117,590,403, plus strand): 5'-TTCTTTTTAGAGCAGTATACAAAGATGCTGATTTGTATTTATTAGACTCTCCTTTTGGAT[A>T]CCTAGATGTTTTAACAGAAAAAGAAATATTTGAAAGGTATGTTCTTTGAATACCTTACTT-3'
Protein context (NP_000483.3, residues 567-587): DLYLLDSPFG[Tyr577Phe]LDVLTEKEIF